The following is an entry in ClinVar:

NM_015978.3(TNNI3K):c.1217G>A (p.Arg406Lys)

Genes: FPGT-TNNI3K (FPGT-TNNI3K readthrough; plus strand), TNNI3K (TNNI3 interacting kinase; plus strand). Cytogenetic location: 1p31.1.
Variant type: single nucleotide variant.
Coding change: c.1217G>A on transcript NM_015978.3 (MANE Select); coding-DNA position 1217, G replaced by A.
Protein change: p.Arg406Lys; replaces arginine 406 with lysine.
Molecular consequence: missense variant.
Genome position (GRCh38, 1-based): chr1:74,367,295, G>A. VCF-style: chr1-74367295-G-A. GRCh37 (hg19) VCF-style: chr1-74832979-G-A.
Other names: c.1520G>A, p.Arg507Lys (NM_001112808.3, NM_001199327.2); short protein forms R507K, R406K.
Identifiers: ClinVar variation 4742242 (VCV004742242.1).
Genomic context (GRCh38, chr1:74,367,295, plus strand): 5'-TCTTTGTATCTTTTCATAAAGGGCATGATGCCATTGTCACACTCCTGAAGCATTATAAGA[G>A]ACCACAAGATGAATTGCCCTGTAATGAATATTCTCAGCCTGGAGGAGGTACCCCTTTTCT-3'
Protein context (NP_057062.1, residues 396-416): AIVTLLKHYK[Arg406Lys]PQDELPCNEY

ClinVar aggregate classification (germline): Uncertain significance (1 of 4 stars; one submission).

gnomAD v4.1: 4 of 1,612,038 alleles (0.00025%); highest among the groups gnomAD compares: Non-Finnish European, 0.00034%; no homozygotes.

Submission:

Labcorp Genetics (formerly Invitae), Labcorp
Classification: Uncertain significance. Last evaluated: 2025-11-17. Review status: criteria provided, single submitter. Criteria: Invitae Variant Classification Sherloc (09022015). Collection method: clinical testing. Allele origin: germline.
Comment: This sequence change replaces arginine, which is basic and polar, with lysine, which is basic and polar, at codon 406 of the TNNI3K protein (p.Arg406Lys). This variant is not present in population databases (gnomAD no frequency). This variant has not been reported in the literature in individuals affected with TNNI3K-related conditions. Invitae Evidence Modeling of protein sequence and biophysical properties (such as structural, functional, and spatial information, amino acid conservation, physicochemical variation, residue mobility, and thermodynamic stability) indicates that this missense variant is not expected to disrupt TNNI3K protein function with a negative predictive value of 80%. In summary, the available evidence is currently insufficient to determine the role of this variant in disease. Therefore, it has been classified as a Variant of Uncertain Significance.